The following is an entry in ClinVar:

ClinVar aggregate classification (germline): Uncertain significance (1 of 4 stars; one submission).

Allele frequency attached by ClinVar (database versions not stated): gnomAD exomes below 0.00001.
gnomAD v4.1: 1 of 1,613,560 alleles (0.000062%); highest among the groups gnomAD compares: Admixed American, 0.0017%; no homozygotes.

Submission:

Labcorp Genetics (formerly Invitae), Labcorp
Classification: Uncertain significance. Last evaluated: 2024-07-05. Review status: criteria provided, single submitter. Criteria: Invitae Variant Classification Sherloc (09022015). Collection method: clinical testing. Allele origin: germline.
Comment: This sequence change replaces glycine, which is neutral and non-polar, with aspartic acid, which is acidic and polar, at codon 305 of the COL9A1 protein (p.Gly305Asp). The frequency data for this variant in the population databases is considered unreliable, as metrics indicate poor data quality at this position in the gnomAD database. This variant has not been reported in the literature in individuals affected with COL9A1-related conditions. ClinVar contains an entry for this variant (Variation ID: 1476079). Experimental studies and prediction algorithms are not available or were not evaluated, and the functional significance of this variant is currently unknown. In summary, the available evidence is currently insufficient to determine the role of this variant in disease. Therefore, it has been classified as a Variant of Uncertain Significance.

NM_001851.6(COL9A1):c.914G>A (p.Gly305Asp)

Gene: COL9A1 (collagen type IX alpha 1 chain; minus strand). Cytogenetic location: 6q13.
Variant type: single nucleotide variant.
Coding change: c.914G>A on transcript NM_001851.6 (MANE Select); coding-DNA position 914, G replaced by A.
Protein change: p.Gly305Asp; replaces glycine 305 with aspartic acid.
Molecular consequence: missense variant. On other transcripts: non-coding transcript variant (1).
Genome position (GRCh38, 1-based): chr6:70,280,873, C>T on the plus strand (G>A on the coding strand, the complement: COL9A1 is on the minus strand). VCF-style: chr6-70280873-C-T. GRCh37 (hg19) VCF-style: chr6-70990576-C-T.
Other names: c.185G>A, p.Gly62Asp (NM_001377289.1, NM_001377290.1, NM_078485.4); c.914G>A, p.Gly305Asp (NM_001377291.1); short protein forms G62D, G305D.
Identifiers: ClinVar variation 1476079 (VCV001476079.8), dbSNP rs1335396298, ClinGen allele CA364665815.